The following is an entry in ClinVar:

ClinVar aggregate classification (germline): Uncertain significance (1 of 4 stars; one submission).

Allele frequency attached by ClinVar (database versions not stated): gnomAD 0.00001; gnomAD exomes 0.00001 and 0.00002; ExAC 0.00002; 1000 Genomes Project 30x 0.00016; 1000 Genomes Project 0.00020.
gnomAD v4.1: 25 of 1,612,240 alleles (0.0016%); highest among the groups gnomAD compares: East Asian, 0.056%; no homozygotes.

Submission:

Labcorp Genetics (formerly Invitae), Labcorp
Classification: Uncertain significance. Last evaluated: 2021-10-14. Review status: criteria provided, single submitter. Criteria: Invitae Variant Classification Sherloc (09022015). Collection method: clinical testing. Allele origin: germline.
Comment: This sequence change replaces alanine with threonine at codon 315 of the GDF5 protein (p.Ala315Thr). The alanine residue is moderately conserved and there is a small physicochemical difference between alanine and threonine. This variant is present in population databases (rs200926075, ExAC 0.03%). This variant has not been reported in the literature in individuals affected with GDF5-related conditions. Algorithms developed to predict the effect of missense changes on protein structure and function are either unavailable or do not agree on the potential impact of this missense change (SIFT: "Tolerated"; PolyPhen-2: "Possibly Damaging"; Align-GVGD: "Class C0"). In summary, the available evidence is currently insufficient to determine the role of this variant in disease. Therefore, it has been classified as a Variant of Uncertain Significance.

NM_000557.5(GDF5):c.943G>A (p.Ala315Thr)

Genes: GDF5 (growth differentiation factor 5; minus strand), GDF5-AS1 (GDF5 antisense RNA 1; plus strand). Cytogenetic location: 20q11.22.
Variant type: single nucleotide variant.
Coding change: c.943G>A on transcript NM_000557.5 (MANE Select); coding-DNA position 943, G replaced by A.
Protein change: p.Ala315Thr; replaces alanine 315 with threonine.
Molecular consequence: missense variant. On other transcripts: non-coding transcript variant (1).
Genome position (GRCh38, 1-based): chr20:35,434,472, C>T on the plus strand (G>A on the coding strand, the complement: GDF5 is on the minus strand). VCF-style: chr20-35434472-C-T. GRCh37 (hg19) VCF-style: chr20-34022270-C-T.
Other names: c.943G>A, p.Ala315Thr (NM_001319138.2); short protein forms A315T.
Identifiers: ClinVar variation 1401703 (VCV001401703.5), dbSNP rs200926075, ClinGen allele CA9832206.